The following is an entry in ClinVar:

NM_000487.6(ARSA):c.1279C>T (p.Pro427Ser)

Gene: ARSA (arylsulfatase A; minus strand). Cytogenetic location: 22q13.33.
Variant type: single nucleotide variant.
Coding change: c.1279C>T on transcript NM_000487.6 (MANE Select); coding-DNA position 1279, C replaced by T.
Protein change: p.Pro427Ser; replaces proline 427 with serine.
Molecular consequence: missense variant.
Genome position (GRCh38, 1-based): chr22:50,625,396, G>A on the plus strand (C>T on the coding strand, the complement: ARSA is on the minus strand). VCF-style: chr22-50625396-G-A. GRCh37 (hg19) VCF-style: chr22-51063824-G-A.
Other names: c.1279C>T (NM_000487.5); c.1279C>T, p.Pro427Ser (NM_001085425.3, NM_001085426.3, NM_001085427.3); c.1021C>T, p.Pro341Ser (NM_001085428.3, NM_001362782.2); short protein forms P341S, P427S.
Identifiers: ClinVar variation 2138463 (VCV002138463.7), dbSNP rs74315485, ClinGen allele CA412168917.

ClinVar aggregate classification (germline): Conflicting classifications of pathogenicity. Review status: criteria provided, conflicting classifications (1 of 4 stars). 3 submissions from 3 submitters: Pathogenic (1); Uncertain significance (2). Last evaluated 2026-06-08.

Conditions:
Metachromatic leukodystrophy (MLD). Also called: ARSA DEFICIENCY; CEREBROSIDE SULFATASE DEFICIENCY; Arylsulfatase A Deficiency; METACHROMATIC LEUKOENCEPHALOPATHY; SULFATIDE LIPIDOSIS; Cerebral sclerosis diffuse metachromatic form. Identifiers: Orphanet 512, MedGen C0023522, MONDO:0018868, OMIM 250100.

Allele frequency attached by ClinVar (database versions not stated): gnomAD exomes below 0.00001; TOPMed below 0.00001; gnomAD 0.00001.

Submissions (3):

Myriad Genetics, Inc.
Classification: Uncertain significance for Metachromatic leukodystrophy. Last evaluated: 2026-06-08. Review status: criteria provided, single submitter. Criteria: Myriad Autosomal Dominant, Autosomal Recessive and X-Linked Classification Criteria (2023). Collection method: clinical testing. Allele origin: unknown.
Comment: NM_000487.5(ARSA):c.1279C>T(P427S) is a missense variant classified as a variant of uncertain significance in the context of metachromatic leukodystrophy. P427S has been observed in a case with relevant disease (PMID: 24001781). Relevant functional assessments of this variant are not available in the literature. P427S has not been observed in referenced population frequency databases. In summary, there is insufficient evidence to classify NM_000487.5(ARSA):c.1279C>T(P427S) as pathogenic or benign. Please note: this variant was assessed in the context of healthy population screening.

Women's Health and Genetics/Laboratory Corporation of America, LabCorp
Classification: Uncertain significance. Last evaluated: 2025-07-17. Review status: criteria provided, single submitter. Criteria: LabCorp Variant Classification Summary - May 2015. Collection method: clinical testing. Allele origin: germline.
Comment: Variant summary: ARSA c.1279C>T (p.Pro427Ser) results in a non-conservative amino acid change in the encoded protein sequence. Algorithms developed to predict the effect of missense changes on protein structure and function all suggest that this variant is likely to be disruptive. The variant was absent in 241362 control chromosomes (gnomAD). c.1279C>T has been reported in the literature in individuals affected with Metachromatic Leukodystrophy (example: Luzi_2013, internal data). These data indicate that the variant may be associated with disease. To our knowledge, no experimental evidence demonstrating an impact on protein function has been reported. The following publications have been ascertained in the context of this evaluation (PMID: 24001781). ClinVar contains an entry for this variant (Variation ID: 2138463). Based on the evidence outlined above, the variant was classified as VUS-possibly pathogenic.

Labcorp Genetics (formerly Invitae), Labcorp
Classification: Pathogenic for Metachromatic leukodystrophy. Last evaluated: 2022-03-17. Review status: criteria provided, single submitter. Criteria: Invitae Variant Classification Sherloc (09022015). Collection method: clinical testing. Allele origin: germline.
Comment: This sequence change replaces proline, which is neutral and non-polar, with serine, which is neutral and polar, at codon 427 of the ARSA protein (p.Pro427Ser). This variant is not present in population databases (gnomAD no frequency). This missense change has been observed in individual(s) with metachromatic leukodystrophy (PMID: 24001781; Invitae). In at least one individual the data is consistent with being in trans (on the opposite chromosome) from a pathogenic variant. This variant is also known as 1273C>T (p.P425S). Advanced modeling of protein sequence and biophysical properties (such as structural, functional, and spatial information, amino acid conservation, physicochemical variation, residue mobility, and thermodynamic stability) performed at Invitae indicates that this missense variant is expected to disrupt ARSA protein function. For these reasons, this variant has been classified as Pathogenic.

Literature cited by the submitters: PubMed 24001781 (cited by 3 submitters).